The following is an entry in ClinVar:

ClinVar aggregate classification (germline): Conflicting classifications of pathogenicity. Review status: criteria provided, conflicting classifications (1 of 4 stars). 3 submissions from 3 submitters: Likely pathogenic (1); Uncertain significance (1). 1 of the submissions does not count toward it. Last evaluated 2025-12-16.

Conditions:
Multiple endocrine neoplasia, type 1 (MEN1). Also called: MEA I; MEN I; WERMER SYNDROME; Endocrine adenomatosis multiple; MEN 1. Identifiers: Orphanet 652, MedGen C0025267, MeSH D018761, MONDO:0007540, OMIM 131100.

Submissions (3):

Labcorp Genetics (formerly Invitae), Labcorp
Classification: Uncertain significance for Multiple endocrine neoplasia, type 1. Last evaluated: 2025-12-16. Review status: criteria provided, single submitter. Criteria: Invitae Variant Classification Sherloc (09022015). Collection method: clinical testing. Allele origin: germline.
Comment: This sequence change replaces lysine, which is basic and polar, with asparagine, which is neutral and polar, at codon 304 of the MEN1 protein (p.Lys304Asn). RNA analysis indicates that this missense change induces altered splicing and may result in an absent or altered protein product. This variant is not present in population databases (gnomAD no frequency). This variant has not been reported in the literature in individuals affected with MEN1-related conditions. ClinVar contains an entry for this variant (Variation ID: 917866). An algorithm developed to predict the effect of missense changes on protein structure and function (PolyPhen-2) suggests that this variant is likely to be tolerated. Variants that disrupt the consensus splice site are a relatively common cause of aberrant splicing (PMID: 17576681, 9536098). Studies have shown that this missense change results in retention of intron 6 and skipping of exon 6, and produces a non-functional protein and/or introduces a premature termination codon (internal data). In summary, the available evidence is currently insufficient to determine the role of this variant in disease. Therefore, it has been classified as a Variant of Uncertain Significance.

MGZ Medical Genetics Center
Classification: Likely pathogenic for Multiple endocrine neoplasia, type 1. Last evaluated: 2021-07-26. Review status: criteria provided, single submitter. Criteria: ACMG Guidelines, 2015. Collection method: clinical testing. Allele origin: germline. Affected: yes. Observed: 1 variant allele.
Comment: ACMG criteria applied: PM1, PS4_SUP, PM2_SUP, PP2, PP3

Institute of Human Genetics, Cologne University
Classification: Likely pathogenic for Multiple endocrine neoplasia, type 1. Review status: no assertion criteria provided. Collection method: clinical testing. Allele origin: unknown. Inheritance: Autosomal dominant inheritance. Affected: yes. Observed: 1 heterozygote. Not counted in ClinVar's aggregate classification.

Literature cited by the submitters: PubMed 17576681 (cited by Labcorp Genetics (formerly Invitae), Labcorp); PubMed 9536098 (cited by Labcorp Genetics (formerly Invitae), Labcorp).

NM_001370259.2(MEN1):c.912G>T (p.Lys304Asn)

Gene: MEN1 (menin 1; minus strand). Cytogenetic location: 11q13.1.
Variant type: single nucleotide variant.
Coding change: c.912G>T on transcript NM_001370259.2 (MANE Select); coding-DNA position 912, G replaced by T.
Protein change: p.Lys304Asn; replaces lysine 304 with asparagine.
Molecular consequence: missense variant.
Genome position (GRCh38, 1-based): chr11:64,807,011, C>A on the plus strand (G>T on the coding strand, the complement: MEN1 is on the minus strand). VCF-style: chr11-64807011-C-A. GRCh37 (hg19) VCF-style: chr11-64574483-C-A.
Other names: c.927G>T, p.Lys309Asn (NM_000244.4, NM_130800.3, NM_130801.3 and 3 more transcripts); c.912G>T, p.Lys304Asn (NM_001370251.2, NM_001370260.2, NM_001370261.2 and 1 more transcripts); c.807G>T, p.Lys269Asn (NM_001370262.2, NM_001370263.2); short protein forms K304N, K309N, K269N.
Identifiers: ClinVar variation 917866 (VCV000917866.6), dbSNP rs1592646211, ClinGen allele CA381183476.